The following is an entry in ClinVar:

ClinVar aggregate classification (germline): Likely benign. Review status: criteria provided, multiple submitters, no conflicts (2 of 4 stars). 2 submissions from 2 submitters: Likely benign (2). Last evaluated 2023-12-22.

Conditions:
Primary familial hypertrophic cardiomyopathy (HCM). Identifiers: Orphanet 99739, MedGen C0949658, MeSH D024741, MONDO:0024573. Inheritance: Various modes of inheritance.

Allele frequency attached by ClinVar (database versions not stated): gnomAD exomes 0.00001; TOPMed 0.00001.
gnomAD v4.1: 4 of 1,614,202 alleles (0.00025%); highest among the groups gnomAD compares: Admixed American, 0.0067%; no homozygotes.

Submissions (2):

Labcorp Genetics (formerly Invitae), Labcorp
Classification: Likely benign for Primary familial hypertrophic cardiomyopathy. Last evaluated: 2023-12-22. Review status: criteria provided, single submitter. Criteria: Invitae Variant Classification Sherloc (09022015). Collection method: clinical testing. Allele origin: germline.

GeneDx
Classification: Likely benign. Last evaluated: 2016-04-20. Review status: criteria provided, single submitter. Criteria: GeneDx Variant Classification (06012015). Collection method: clinical testing. Allele origin: germline. Affected: yes.
Comment: This variant is considered likely benign or benign based on one or more of the following criteria: it is a conservative change, it occurs at a poorly conserved position in the protein, it is predicted to be benign by multiple in silico algorithms, and/or has population frequency not consistent with disease.

NM_004517.4(ILK):c.1197G>A (p.Glu399=)

Genes: ILK (integrin linked kinase; plus strand), TAF10 (TATA-box binding protein associated factor 10; minus strand). Cytogenetic location: 11p15.4.
Variant type: single nucleotide variant.
Coding change: c.1197G>A on transcript NM_004517.4 (MANE Select); coding-DNA position 1197, G replaced by A.
Protein change: p.Glu399=; no amino-acid change (glutamic acid 399 retained).
Molecular consequence: synonymous variant. On other transcripts: 3 prime UTR variant (1).
Genome position (GRCh38, 1-based): chr11:6,610,266, G>A. VCF-style: chr11-6610266-G-A. GRCh37 (hg19) VCF-style: chr11-6631497-G-A.
Other names: c.1197G>A, p.Glu399= (NM_001014794.3, NM_001014795.3); c.1014G>A, p.Glu338= (NM_001278441.2); c.795G>A, p.Glu265= (NM_001278442.2); c.*656C>T (NM_006284.4).
Identifiers: ClinVar variation 385387 (VCV000385387.6), dbSNP rs1057522211, ClinGen allele CA16606359.